The following is an entry in ClinVar:

NM_206933.4(USH2A):c.5863C>T (p.Gln1955Ter)

Gene: USH2A (usherin; minus strand). Cytogenetic location: 1q41.
Variant type: single nucleotide variant.
Coding change: c.5863C>T on transcript NM_206933.4 (MANE Select); coding-DNA position 5863, C replaced by T.
Protein change: p.Gln1955Ter; replaces glutamine 1955 with a stop codon.
Molecular consequence: nonsense.
Genome position (GRCh38, 1-based): chr1:216,070,287, G>A on the plus strand (C>T on the coding strand, the complement: USH2A is on the minus strand). VCF-style: chr1-216070287-G-A. GRCh37 (hg19) VCF-style: chr1-216243629-G-A.
Other names: short protein forms Q1955*.
Identifiers: ClinVar variation 3724445 (VCV003724445.2).

ClinVar aggregate classification (germline): Pathogenic (1 of 4 stars; one submission).

Submission:

Labcorp Genetics (formerly Invitae), Labcorp
Classification: Pathogenic. Last evaluated: 2024-11-02. Review status: criteria provided, single submitter. Criteria: Invitae Variant Classification Sherloc (09022015). Collection method: clinical testing. Allele origin: germline.
Comment: This sequence change creates a premature translational stop signal (p.Gln1955*) in the USH2A gene. It is expected to result in an absent or disrupted protein product. Loss-of-function variants in USH2A are known to be pathogenic (PMID: 10729113, 10909849, 20507924, 25649381). This variant is not present in population databases (gnomAD no frequency). This variant has not been reported in the literature in individuals affected with USH2A-related conditions. For these reasons, this variant has been classified as Pathogenic.

Literature cited by the submitters: PubMed 10729113; PubMed 10909849; PubMed 20507924; PubMed 25649381.